The following is an entry in ClinVar:

ClinVar aggregate classification (germline): Benign. Review status: criteria provided, multiple submitters, no conflicts (2 of 4 stars). 6 submissions from 6 submitters: Benign (3). 3 of the submissions do not count toward it. Last evaluated 2015-11-02.

Conditions:
ZNF41-related disorder. Also called: ZNF41-related condition.

Allele frequency attached by ClinVar (database versions not stated): 1000 Genomes Project 0.00371; ESP Exome Variant Server 0.00890; 1000 Genomes Project 30x 0.00479; gnomAD 0.00903 and 0.00954; gnomAD exomes 0.00969 and 0.01232; TOPMed 0.01003; ExAC 0.00989.
gnomAD v4.1: 14,504 of 1,209,986 alleles (1.2%); highest among the groups gnomAD compares: Middle Eastern, 1.4%; 80 homozygotes.

Submissions (6):

Ambry Genetics
Classification: Benign. Last evaluated: 2015-11-02. Review status: criteria provided, single submitter. Criteria: Ambry Variant Classification Scheme 2023. Collection method: clinical testing. Allele origin: germline.

Eurofins Ntd Llc (ga)
Classification: Benign. Last evaluated: 2013-05-29. Review status: criteria provided, single submitter. Criteria: EGL Classification Definitions 2015. Collection method: clinical testing. Allele origin: germline. Observed: 1 variant allele, 1 heterozygote.

Breakthrough Genomics
Classification: Benign. Review status: criteria provided, single submitter. Criteria: ACMG Guidelines, 2015. Collection method: not provided. Allele origin: germline. Inheritance: Unknown mechanism. Affected: yes.

PreventionGenetics, part of Exact Sciences
Classification: Benign for ZNF41-related condition. Last evaluated: 2019-07-12. Review status: no assertion criteria provided. Collection method: clinical testing. Allele origin: germline. Not counted in ClinVar's aggregate classification.
Comment: This variant is classified as benign based on ACMG/AMP sequence variant interpretation guidelines (Richards et al. 2015 PMID: 25741868, with internal and published modifications).

Diagnostic Laboratory, Department of Genetics, University Medical Center Groningen
Classification: Likely benign. Review status: no assertion criteria provided. Collection method: clinical testing. Allele origin: germline. Affected: yes. Study: VKGL Data-share Consensus. Not counted in ClinVar's aggregate classification.

Laboratory of Diagnostic Genome Analysis, Leiden University Medical Center (LUMC)
Classification: Likely benign. Review status: no assertion criteria provided. Collection method: clinical testing. Allele origin: germline. Affected: yes. Study: VKGL Data-share Consensus. Not counted in ClinVar's aggregate classification.

NM_001324144.2(ZNF41):c.945T>G (p.Asp315Glu)

Gene: ZNF41 (zinc finger protein 41; minus strand). Cytogenetic location: Xp11.3.
Variant type: single nucleotide variant.
Coding change: c.945T>G on transcript NM_001324144.2 (MANE Select); coding-DNA position 945, T replaced by G.
Protein change: p.Asp315Glu; replaces aspartic acid 315 with glutamic acid.
Molecular consequence: missense variant.
Genome position (GRCh38, 1-based): chrX:47,448,825, A>C on the plus strand (T>G on the coding strand, the complement: ZNF41 is on the minus strand). VCF-style: chrX-47448825-A-C. GRCh37 (hg19) VCF-style: chrX-47308224-A-C.
Other names: c.687T>G, p.Asp229Glu (NM_001324139.2, NM_001324141.2, NM_001324143.2 and 3 more transcripts); c.945T>G, p.Asp315Glu (NM_001324140.2, NM_001324147.2, NM_001324150.2 and 2 more transcripts); c.951T>G, p.Asp317Glu (NM_001324142.2, NM_001324148.2); c.975T>G, p.Asp325Glu (NM_001324151.2, NM_001324153.2); c.1047T>G, p.Asp349Glu (NM_001324154.1); c.1071T>G, p.Asp357Glu (NM_001324155.1); c.843T>G, p.Asp281Glu (NM_001324156.1); c.837T>G, p.Asp279Glu (NM_001324157.1); short protein forms D315E, D279E, D281E, D357E, D229E, D317E, D349E, D325E.
Identifiers: ClinVar variation 96520 (VCV000096520.17), dbSNP rs2498170, ClinGen allele CA149576.